The following is an entry in ClinVar:

ClinVar aggregate classification (germline): Uncertain significance (1 of 4 stars; one submission).

gnomAD v4.1: 1 of 1,613,478 alleles (0.000062%); highest among the groups gnomAD compares: African/African-American, 0.0013%; no homozygotes.

Submission:

GeneDx
Classification: Uncertain significance. Last evaluated: 2023-10-25. Review status: criteria provided, single submitter. Criteria: GeneDx Variant Classification Process June 2021. Collection method: clinical testing. Allele origin: germline. Affected: yes.
Comment: Not observed at significant frequency in large population cohorts (gnomAD); In silico analysis supports that this missense variant has a deleterious effect on protein structure/function; Has not been previously published as pathogenic or benign to our knowledge

NM_001273.5(CHD4):c.2027A>T (p.Glu676Val)

Gene: CHD4 (chromodomain helicase DNA binding protein 4; minus strand). Cytogenetic location: 12p13.31.
Variant type: single nucleotide variant.
Coding change: c.2027A>T on transcript NM_001273.5 (MANE Select); coding-DNA position 2027, A replaced by T.
Protein change: p.Glu676Val; replaces glutamic acid 676 with valine.
Molecular consequence: missense variant.
Genome position (GRCh38, 1-based): chr12:6,595,428, T>A on the plus strand (A>T on the coding strand, the complement: CHD4 is on the minus strand). VCF-style: chr12-6595428-T-A. GRCh37 (hg19) VCF-style: chr12-6704594-T-A.
Other names: c.2006A>T, p.Glu669Val (NM_001297553.2); c.1988A>T, p.Glu663Val (NM_001363606.2); short protein forms E663V, E669V, E676V.
Identifiers: ClinVar variation 3363247 (VCV003363247.1).
Genomic context (GRCh38, chr12:6,595,428, plus strand): 5'-TTCCGAAGCTTCACCTTCTTGAGCTTCTTGCCTGGTCGGCCTTCCTCACCCCTCATTAAC[T>A]CCCTAAAGAAGAAAGACATCACACAGCTGCCCAAAATCCTTTTCTATAGAAGAAACAACT-3'
Protein context (NP_001264.2, residues 666-686): LFKQSYWNHR[Glu676Val]LMRGEEGRPG